The following is an entry in ClinVar:

NM_004260.4(RECQL4):c.3544C>T (p.Arg1182Cys)

Gene: RECQL4 (RecQ like helicase 4; minus strand). Cytogenetic location: 8q24.3.
Variant type: single nucleotide variant.
Coding change: c.3544C>T on transcript NM_004260.4 (MANE Select); coding-DNA position 3544, C replaced by T.
Protein change: p.Arg1182Cys; replaces arginine 1182 with cysteine.
Molecular consequence: missense variant.
Genome position (GRCh38, 1-based): chr8:144,511,514, G>A on the plus strand (C>T on the coding strand, the complement: RECQL4 is on the minus strand). VCF-style: chr8-144511514-G-A. GRCh37 (hg19) VCF-style: chr8-145736897-G-A.
Other names: short protein forms R1182C.
Identifiers: ClinVar variation 239766 (VCV000239766.8), dbSNP rs376981214, ClinGen allele CA4947652.

ClinVar aggregate classification (germline): Uncertain significance. Review status: criteria provided, multiple submitters, no conflicts (2 of 4 stars). 2 submissions from 2 submitters: Uncertain significance (2). Last evaluated 2026-01-26.

Conditions:
Baller-Gerold syndrome (BGS). Also called: CRANIOSYNOSTOSIS WITH RADIAL DEFECTS. Identifiers: Orphanet 1225, MedGen C0265308, MONDO:0009039, OMIM 218600.

Allele frequency attached by ClinVar (database versions not stated): gnomAD exomes 0.00002; ExAC 0.00003; gnomAD 0.00005; TOPMed 0.00005; ESP Exome Variant Server 0.00008.

Submissions (2):

Labcorp Genetics (formerly Invitae), Labcorp
Classification: Uncertain significance for Baller-Gerold syndrome. Last evaluated: 2026-01-26. Review status: criteria provided, single submitter. Criteria: Invitae Variant Classification Sherloc (09022015). Collection method: clinical testing. Allele origin: germline.
Comment: This sequence change replaces arginine, which is basic and polar, with cysteine, which is neutral and slightly polar, at codon 1182 of the RECQL4 protein (p.Arg1182Cys). This variant is present in population databases (rs376981214, gnomAD 0.005%). This variant has not been reported in the literature in individuals affected with RECQL4-related conditions. ClinVar contains an entry for this variant (Variation ID: 239766). Invitae Evidence Modeling of protein sequence and biophysical properties (such as structural, functional, and spatial information, amino acid conservation, physicochemical variation, residue mobility, and thermodynamic stability) indicates that this missense variant is expected to disrupt RECQL4 protein function with a positive predictive value of 80%. In summary, the available evidence is currently insufficient to determine the role of this variant in disease. Therefore, it has been classified as a Variant of Uncertain Significance.

GeneDx
Classification: Uncertain significance. Last evaluated: 2023-03-17. Review status: criteria provided, single submitter. Criteria: GeneDx Variant Classification Process June 2021. Collection method: clinical testing. Allele origin: germline. Affected: yes.
Comment: In silico analysis supports that this missense variant has a deleterious effect on protein structure/function; Has not been previously published as pathogenic or benign to our knowledge